The following is an entry in ClinVar:

NM_001358235.2(DCHS2):c.8929A>C (p.Asn2977His)

Genes: DCHS2 (dachsous cadherin-related 2; minus strand), DCHS2-AS1 (DCHS2 antisense RNA 1; plus strand). Cytogenetic location: 4q31.3.
Variant type: single nucleotide variant.
Coding change: c.8929A>C on transcript NM_001358235.2 (MANE Select); coding-DNA position 8929, A replaced by C.
Protein change: p.Asn2977His; replaces asparagine 2977 with histidine.
Molecular consequence: missense variant.
Genome position (GRCh38, 1-based): chr4:154,235,723, T>G on the plus strand (A>C on the coding strand, the complement: DCHS2 is on the minus strand). VCF-style: chr4-154235723-T-G. GRCh37 (hg19) VCF-style: chr4-155156875-T-G.
Other names: short protein forms N2977H.
Identifiers: ClinVar variation 3055622 (VCV003055622.2), dbSNP rs61746101, ClinGen allele CA3111839.

ClinVar aggregate classification (germline): Benign (0 of 4 stars; one submission).

Conditions:
DCHS2-related disorder. Also called: DCHS2-related condition.

Allele frequency attached by ClinVar (database versions not stated): 1000 Genomes Project 0.04273; ESP Exome Variant Server 0.04429; 1000 Genomes Project 30x 0.04435; TOPMed 0.04498.
gnomAD v4.1: 12,258 of 1,613,842 alleles (0.76%); highest among the groups gnomAD compares: African/African-American, 13%; 691 homozygotes.

Submission:

PreventionGenetics, part of Exact Sciences
Classification: Benign for DCHS2-related condition. Last evaluated: 2020-03-03. Review status: no assertion criteria provided. Collection method: clinical testing. Allele origin: germline.
Comment: This variant is classified as benign based on ACMG/AMP sequence variant interpretation guidelines (Richards et al. 2015 PMID: 25741868, with internal and published modifications).